The following is an entry in ClinVar:

ClinVar aggregate classification (germline): Uncertain significance (1 of 4 stars; one submission).

Submission:

Labcorp Genetics (formerly Invitae), Labcorp
Classification: Uncertain significance. Last evaluated: 2026-01-21. Review status: criteria provided, single submitter. Criteria: Invitae Variant Classification Sherloc (09022015). Collection method: clinical testing. Allele origin: germline.
Comment: This sequence change replaces glutamic acid, which is acidic and polar, with glutamine, which is neutral and polar, at codon 323 of the FBXW7 protein (p.Glu323Gln). This variant is not present in population databases (gnomAD no frequency). This variant has not been reported in the literature in individuals affected with FBXW7-related conditions. An algorithm developed to predict the effect of missense changes on protein structure and function (PolyPhen-2) suggests that this variant is likely to be tolerated. In summary, the available evidence is currently insufficient to determine the role of this variant in disease. Therefore, it has been classified as a Variant of Uncertain Significance.

NM_001349798.2(FBXW7):c.967G>C (p.Glu323Gln)

Gene: FBXW7 (F-box and WD repeat domain containing 7; minus strand). Cytogenetic location: 4q31.3.
Variant type: single nucleotide variant.
Coding change: c.967G>C on transcript NM_001349798.2 (MANE Select); coding-DNA position 967, G replaced by C.
Protein change: p.Glu323Gln; replaces glutamic acid 323 with glutamine.
Molecular consequence: missense variant.
Genome position (GRCh38, 1-based): chr4:152,332,614, C>G on the plus strand (G>C on the coding strand, the complement: FBXW7 is on the minus strand). VCF-style: chr4-152332614-C-G. GRCh37 (hg19) VCF-style: chr4-153253766-C-G.
Other names: c.613G>C, p.Glu205Gln (NM_001013415.2); c.727G>C, p.Glu243Gln (NM_018315.5); c.967G>C, p.Glu323Gln (NM_033632.3); short protein forms E205Q, E323Q, E243Q.
Identifiers: ClinVar variation 4735887 (VCV004735887.1).
Genomic context (GRCh38, chr4:152,332,614, plus strand): 5'-TTCAAAGTATAAACATATTCTCTATGCAATTTTGAACCTTACCCTCTTCTTTGCATTTCT[C>G]TCTCCAGAGAAGGTTGTCTTCAGCCAAAATTCTCCAGTAGCGACATGTCTGAGCTGCTTG-3'
Protein context (NP_001336727.1, residues 313-333): ILAEDNLLWR[Glu323Gln]KCKEEGIDEP